The following is an entry in ClinVar:

ClinVar aggregate classification (germline): Conflicting classifications of pathogenicity. Review status: criteria provided, conflicting classifications (1 of 4 stars). 5 submissions from 5 submitters: Uncertain significance (1); Benign (1); Likely benign (2). 1 of the submissions does not count toward it. Last evaluated 2026-09-01.

Conditions:
Nephronophthisis. Also called: Juvenile Nephronophthisis. Identifiers: Orphanet 655, MedGen C0687120, MONDO:0019005, HP:0000090.

Allele frequency attached by ClinVar (database versions not stated): gnomAD exomes 0.00010; ExAC 0.00027; ESP Exome Variant Server 0.00033; TOPMed 0.00068; gnomAD 0.00072 and 0.00076; 1000 Genomes Project 30x 0.00141; 1000 Genomes Project 0.00160.
gnomAD v4.1: 240 of 1,591,752 alleles (0.015%); highest among the groups gnomAD compares: African/African-American, 0.28%; no homozygotes.

Submissions (5):

CeGaT Center for Human Genetics Tuebingen
Classification: Likely benign. Last evaluated: 2026-09-01. Review status: criteria provided, single submitter. Criteria: CeGaT Center For Human Genetics Tuebingen Variant Classification Criteria Version 2. Collection method: clinical testing. Allele origin: germline. Affected: yes. Observed: 1 variant allele.
Comment: NPHP4: BP4, BP7

Labcorp Genetics (formerly Invitae), Labcorp
Classification: Benign for Nephronophthisis. Last evaluated: 2025-08-20. Review status: criteria provided, single submitter. Criteria: Invitae Variant Classification Sherloc (09022015). Collection method: clinical testing. Allele origin: germline.

Blueprint Genetics
Classification: Likely benign. Last evaluated: 2024-02-12. Review status: criteria provided, single submitter. Criteria: ACMG Guidelines, 2015. Collection method: clinical testing. Allele origin: germline.

Eurofins Ntd Llc (ga)
Classification: Uncertain significance. Last evaluated: 2018-07-24. Review status: criteria provided, single submitter. Criteria: EGL ClinVar v180209 classification definitions. Collection method: clinical testing. Allele origin: germline. Observed: 7 variant alleles, 7 heterozygotes.

Genetic Services Laboratory, University of Chicago
Classification: Likely benign. Last evaluated: 2022-05-10. Review status: no assertion criteria provided. Collection method: clinical testing. Allele origin: germline. Affected: no. Not counted in ClinVar's aggregate classification.

NM_015102.5(NPHP4):c.3843G>T (p.Leu1281=)

Gene: NPHP4 (nephrocystin 4; minus strand). Cytogenetic location: 1p36.31.
Variant type: single nucleotide variant.
Coding change: c.3843G>T on transcript NM_015102.5 (MANE Select); coding-DNA position 3843, G replaced by T.
Protein change: p.Leu1281=; no amino-acid change (leucine 1281 retained).
Molecular consequence: synonymous variant. On other transcripts: non-coding transcript variant (1).
Genome position (GRCh38, 1-based): chr1:5,864,491, C>A on the plus strand (G>T on the coding strand, the complement: NPHP4 is on the minus strand). VCF-style: chr1-5864491-C-A. GRCh37 (hg19) VCF-style: chr1-5924551-C-A.
Other names: c.2304G>T, p.Leu768= (NM_001291593.2); c.2307G>T, p.Leu769= (NM_001291594.2).
Identifiers: ClinVar variation 167370 (VCV000167370.19), dbSNP rs9662691, ClinGen allele CA234406.
Genomic context (GRCh38, chr1:5,864,491, plus strand): 5'-GCGGCTGCCGGCCCTAAGGGGCCTCACGCCAACATGCAGGTCCTGCACCCCACGAGGCGG[C>A]AGCACGAAGACACCTTTGGGGTCTGTCTTCAAGAGCGAGAGAGGCGGGTCAGAGCACAGC-3'
Protein context (NP_055917.1, residues 1271-1291): LKTDPKGVFV[Leu1281=]PPRGVQDLHV